The following is an entry in ClinVar:

NM_021831.6(AGBL5):c.437G>A (p.Gly146Asp)

Gene: AGBL5 (AGBL carboxypeptidase 5; plus strand). Cytogenetic location: 2p23.3.
Variant type: single nucleotide variant.
Coding change: c.437G>A on transcript NM_021831.6 (MANE Select); coding-DNA position 437, G replaced by A.
Protein change: p.Gly146Asp; replaces glycine 146 with aspartic acid.
Molecular consequence: missense variant. On other transcripts: non-coding transcript variant (2).
Genome position (GRCh38, 1-based): chr2:27,053,945, G>A. VCF-style: chr2-27053945-G-A. GRCh37 (hg19) VCF-style: chr2-27276813-G-A.
Other names: c.437G>A, p.Gly146Asp (NM_001035507.3); short protein forms G146D.
Identifiers: ClinVar variation 1504103 (VCV001504103.8), dbSNP rs1396565850, ClinGen allele CA346171191.
Genomic context (GRCh38, chr2:27,053,945, plus strand): 5'-CTGCTCTTCAGATGACAGAGACGCAGTTTGTGTTATCCTTTGTTCATCGTTTCGTGGAGG[G>A]CCGTGGGGCCACCACCTTCTTCGCCTTCTGCTACCCCTTCTCCTACAGTGACTGCCAGGA-3'
Protein context (NP_068603.4, residues 136-156): VLSFVHRFVE[Gly146Asp]RGATTFFAFC

ClinVar aggregate classification (germline): Uncertain significance (1 of 4 stars; one submission).

Allele frequency attached by ClinVar (database versions not stated): gnomAD exomes below 0.00001; gnomAD 0.00001; TOPMed 0.00001.
gnomAD v4.1: 3 of 1,614,032 alleles (0.00019%); highest among the groups gnomAD compares: Non-Finnish European, 0.00025%; no homozygotes.

Submission:

Labcorp Genetics (formerly Invitae), Labcorp
Classification: Uncertain significance. Last evaluated: 2021-01-20. Review status: criteria provided, single submitter. Criteria: Invitae Variant Classification Sherloc (09022015). Collection method: clinical testing. Allele origin: germline.
Comment: This variant has not been reported in the literature in individuals with AGBL5-related conditions. This sequence change replaces glycine with aspartic acid at codon 146 of the AGBL5 protein (p.Gly146Asp). The glycine residue is moderately conserved and there is a moderate physicochemical difference between glycine and aspartic acid. This variant is not present in population databases (ExAC no frequency). Algorithms developed to predict the effect of missense changes on protein structure and function (SIFT, PolyPhen-2, Align-GVGD) all suggest that this variant is likely to be tolerated, but these predictions have not been confirmed by published functional studies and their clinical significance is uncertain. In summary, the available evidence is currently insufficient to determine the role of this variant in disease. Therefore, it has been classified as a Variant of Uncertain Significance.